The following is an entry in ClinVar:

ClinVar aggregate classification (germline): Likely benign. Review status: criteria provided, multiple submitters, no conflicts (2 of 4 stars). 2 submissions from 2 submitters: Likely benign (2). Last evaluated 2025-02-25.

Conditions:
Breast-ovarian cancer, familial, susceptibility to, 4. Identifiers: Orphanet 145, MedGen C3280345, MONDO:0013669, OMIM 614291.

Submissions (2):

Myriad Genetics, Inc.
Classification: Likely benign for Breast-ovarian cancer, familial, susceptibility to, 4. Last evaluated: 2025-02-25. Review status: criteria provided, single submitter. Criteria: Myriad Autosomal Dominant, Autosomal Recessive and X-Linked Classification Criteria (2023). Collection method: clinical testing. Allele origin: unknown.
Comment: This variant is considered likely benign. This variant is intronic and is not expected to impact mRNA splicing.

Labcorp Genetics (formerly Invitae), Labcorp
Classification: Likely benign for Breast-ovarian cancer, familial, susceptibility to, 4. Last evaluated: 2022-02-23. Review status: criteria provided, single submitter. Criteria: Invitae Variant Classification Sherloc (09022015). Collection method: clinical testing. Allele origin: germline.

NM_002878.4(RAD51D):c.904-10C>T

Genes: RAD51L3-RFFL (RAD51L3-RFFL readthrough; minus strand), RAD51D (RAD51 paralog D; minus strand). Cytogenetic location: 17q12.
Variant type: single nucleotide variant.
Coding change: c.904-10C>T on transcript NM_002878.4 (MANE Select); 10 bases into the intron before coding-DNA position 904, C replaced by T.
Molecular consequence: intron variant.
Genome position (GRCh38, 1-based): chr17:35,101,046, G>A on the plus strand (C>T on the coding strand, the complement: RAD51D is on the minus strand). VCF-style: chr17-35101046-G-A. GRCh37 (hg19) VCF-style: chr17-33428065-G-A.
Other names: c.568-10C>T (NM_133629.3); c.964-10C>T (NM_001142571.2).
Identifiers: ClinVar variation 2102634 (VCV002102634.5), dbSNP rs2142409522, ClinGen allele CA2580093435.
Genomic context (GRCh38, chr17:35,101,046, plus strand): 5'-CTCTGAGGTCCCCCAGGTCCCAATGTCTACCATCTCCTGGAAACCTGTTGGCTGGAAGAA[G>A]AAGTAAGGAGTCAGTGGAGTTAAGCAACCCAAGTGGGTAGCTTCTTTAGTTGCAAGGTTT-3'